The following is an entry in ClinVar:

NM_139137.4(KCNC2):c.1117C>G (p.His373Asp)

Gene: KCNC2 (potassium voltage-gated channel subfamily C member 2; minus strand). Cytogenetic location: 12q21.1.
Variant type: single nucleotide variant.
Coding change: c.1117C>G on transcript NM_139137.4 (MANE Select); coding-DNA position 1117, C replaced by G.
Protein change: p.His373Asp; replaces histidine 373 with aspartic acid.
Molecular consequence: missense variant. On other transcripts: non-coding transcript variant (1).
Genome position (GRCh38, 1-based): chr12:75,050,888, G>C on the plus strand (C>G on the coding strand, the complement: KCNC2 is on the minus strand). VCF-style: chr12-75050888-G-C. GRCh37 (hg19) VCF-style: chr12-75444668-G-C.
Other names: c.1117C>G, p.His373Asp (NM_001260497.2, NM_001260498.2, NM_001260499.2 and 13 more transcripts); short protein forms H373D.
Identifiers: ClinVar variation 3253513 (VCV003253513.1), dbSNP rs374596117.

ClinVar aggregate classification (germline): Uncertain significance (1 of 4 stars; one submission).

Submission:

GeneDx
Classification: Uncertain significance. Last evaluated: 2023-12-05. Review status: criteria provided, single submitter. Criteria: GeneDx Variant Classification Process June 2021. Collection method: clinical testing. Allele origin: germline. Affected: yes.
Comment: Not observed at significant frequency in large population cohorts (gnomAD); In silico analysis supports that this missense variant has a deleterious effect on protein structure/function; Has not been previously published as pathogenic or benign to our knowledge